The following is an entry in ClinVar:

NM_015627.3(LDLRAP1):c.455A>G (p.Lys152Arg)

Gene: LDLRAP1 (low density lipoprotein receptor adaptor protein 1; plus strand). Cytogenetic location: 1p36.11.
Variant type: single nucleotide variant.
Coding change: c.455A>G on transcript NM_015627.3 (MANE Select); coding-DNA position 455, A replaced by G.
Protein change: p.Lys152Arg; replaces lysine 152 with arginine.
Molecular consequence: missense variant.
Genome position (GRCh38, 1-based): chr1:25,557,263, A>G. VCF-style: chr1-25557263-A-G. GRCh37 (hg19) VCF-style: chr1-25883754-A-G.
Other names: short protein forms K152R.
Identifiers: ClinVar variation 4859185 (VCV004859185.1).

ClinVar aggregate classification (germline): Uncertain significance (1 of 4 stars; one submission).

Conditions:
Cardiovascular phenotype. Identifiers: MedGen CN230736.

Submission:

Ambry Genetics
Classification: Uncertain significance for Cardiovascular phenotype. Last evaluated: 2026-05-23. Review status: criteria provided, single submitter. Criteria: Ambry Variant Classification Scheme 2023. Collection method: clinical testing. Allele origin: germline.
Comment: The p.K152R variant (also known as c.455A>G), located in coding exon 4 of the LDLRAP1 gene, results from an A to G substitution at nucleotide position 455. The lysine at codon 152 is replaced by arginine, an amino acid with highly similar properties. This amino acid position is conserved. In addition, the in silico prediction for this alteration is inconclusive. Based on the available evidence, the clinical significance of this variant remains unclear.